The following is an entry in ClinVar:

ClinVar aggregate classification (germline): Uncertain significance. Review status: criteria provided, multiple submitters, no conflicts (2 of 4 stars). 4 submissions from 4 submitters: Uncertain significance (4). Last evaluated 2026-06-28.

Conditions:
RP1L1-related disorder. Also called: RP1L1-related condition.
Inborn genetic diseases. Identifiers: MedGen C0950123, MeSH D030342.

Allele frequency attached by ClinVar (database versions not stated): ExAC 0.00001.
gnomAD v4.1: 12 of 1,613,908 alleles (0.00074%); highest among the groups gnomAD compares: African/African-American, 0.016%; no homozygotes.

Submissions (4):

PreventionGenetics, part of Exact Sciences
Classification: Uncertain significance for RP1L1-related condition. Last evaluated: 2026-06-28. Review status: criteria provided, single submitter. Criteria: ACMG Guidelines, 2015. Collection method: clinical testing. Allele origin: germline.
Comment: The RP1L1 c.454C>G variant is predicted to result in the amino acid substitution p.Arg152Gly. To our knowledge, this variant has not been reported in the literature. This variant is reported in 0.026% of alleles in individuals of African descent in gnomAD. Another variant affecting the same amino acid, c.455G>A, p.(Arg152Gln), has been reported along with a RP1L1 nonsense variant in two siblings with autosomal recessive retinitis pigmentosa (Zobor et al. 2018. PubMed ID: 30025130). At this time, the clinical significance of this variant is uncertain due to the absence of conclusive functional and genetic evidence.

Ambry Genetics
Classification: Uncertain significance for Inborn genetic diseases. Last evaluated: 2025-08-27. Review status: criteria provided, single submitter. Criteria: Ambry Variant Classification Scheme 2023. Collection method: clinical testing. Allele origin: germline.

Labcorp Genetics (formerly Invitae), Labcorp
Classification: Uncertain significance. Last evaluated: 2022-09-27. Review status: criteria provided, single submitter. Criteria: Invitae Variant Classification Sherloc (09022015). Collection method: clinical testing. Allele origin: germline.
Comment: This sequence change replaces arginine, which is basic and polar, with glycine, which is neutral and non-polar, at codon 152 of the RP1L1 protein (p.Arg152Gly). This variant is present in population databases (rs749896033, gnomAD 0.02%). This variant has not been reported in the literature in individuals affected with RP1L1-related conditions. ClinVar contains an entry for this variant (Variation ID: 1387030). Advanced modeling of protein sequence and biophysical properties (such as structural, functional, and spatial information, amino acid conservation, physicochemical variation, residue mobility, and thermodynamic stability) performed at Invitae indicates that this missense variant is not expected to disrupt RP1L1 protein function. In summary, the available evidence is currently insufficient to determine the role of this variant in disease. Therefore, it has been classified as a Variant of Uncertain Significance.

Blueprint Genetics
Classification: Uncertain significance. Last evaluated: 2021-12-17. Review status: criteria provided, single submitter. Criteria: ACMG Guidelines, 2015. Collection method: clinical testing. Allele origin: germline.

NM_178857.6(RP1L1):c.454C>G (p.Arg152Gly)

Gene: RP1L1 (RP1 like 1). Cytogenetic location: 8p23.1.
Variant type: single nucleotide variant.
Coding change: c.454C>G on transcript NM_178857.6 (MANE Select); coding-DNA position 454, C replaced by G.
Protein change: p.Arg152Gly; replaces arginine 152 with glycine.
Molecular consequence: missense variant.
Genome position (GRCh38, 1-based): chr8:10,622,748, G>C on the plus strand (C>G on the coding strand, the complement: RP1L1 is on the minus strand). VCF-style: chr8-10622748-G-C. GRCh37 (hg19) VCF-style: chr8-10480258-G-C.
Other names: c.454C>G (NM_178857.5); short protein forms R152G.
Identifiers: ClinVar variation 1387030 (VCV001387030.12), dbSNP rs749896033, ClinGen allele CA4625690.